The following is an entry in ClinVar:

ClinVar aggregate classification (germline): Benign/Likely benign. Review status: criteria provided, multiple submitters, no conflicts (2 of 4 stars). 7 submissions from 5 submitters: Benign (1); Likely benign (5). 1 of the submissions does not count toward it. Last evaluated 2026-02-04.

Conditions:
Metachromatic leukodystrophy (MLD). Also called: ARSA DEFICIENCY; CEREBROSIDE SULFATASE DEFICIENCY; Cerebral sclerosis diffuse metachromatic form; Arylsulfatase A Deficiency; METACHROMATIC LEUKOENCEPHALOPATHY; SULFATIDE LIPIDOSIS. Identifiers: Orphanet 512, MedGen C0023522, MONDO:0018868, OMIM 250100.
Sphingolipid activator protein 1 deficiency. Also called: Saposin B Deficiency; Metachromatic leukodystrophy due to saposin B deficiency; METACHROMATIC LEUKODYSTROPHY DUE TO CEREBROSIDE SULFATASE ACTIVATOR DEFICIENCY. Identifiers: Orphanet 512, MedGen C0268262, MONDO:0009590, OMIM 249900.
Combined PSAP deficiency (PSAPD). Also called: COMBINED SAP DEFICIENCY; PROSAPOSIN DEFICIENCY; Encephalopathy due to prosaposin deficiency. Identifiers: Orphanet 139406, MedGen C2673635, MONDO:0012719, OMIM 611721.
Krabbe disease due to saposin A deficiency. Also called: Saposin A Deficiency; KRABBE DISEASE, ATYPICAL, DUE TO SAPOSIN A DEFICIENCY. Identifiers: Orphanet 487, MedGen C2673266, MONDO:0012720, OMIM 611722.

Allele frequency attached by ClinVar (database versions not stated): TOPMed 0.00003; gnomAD 0.00004 and 0.00010; gnomAD exomes 0.00040 and 0.00022; ExAC 0.00044; 1000 Genomes Project 30x 0.00016; 1000 Genomes Project 0.00020.
gnomAD v4.1: 338 of 1,614,242 alleles (0.021%); highest among the groups gnomAD compares: South Asian, 0.31%; 4 homozygotes.

Submissions (7):

Labcorp Genetics (formerly Invitae), Labcorp
Classification: Benign for Sphingolipid activator protein 1 deficiency. Last evaluated: 2026-02-04. Review status: criteria provided, single submitter. Criteria: Invitae Variant Classification Sherloc (09022015). Collection method: clinical testing. Allele origin: germline.

CeGaT Center for Human Genetics Tuebingen
Classification: Likely benign. Last evaluated: 2025-07-01. Review status: criteria provided, single submitter. Criteria: CeGaT Center For Human Genetics Tuebingen Variant Classification Criteria Version 2. Collection method: clinical testing. Allele origin: germline. Affected: yes. Observed: 1 variant allele.
Comment: PSAP: BP4, BP7

Blueprint Genetics
Classification: Likely benign. Last evaluated: 2024-11-27. Review status: criteria provided, single submitter. Criteria: ACMG Guidelines, 2015. Collection method: clinical testing. Allele origin: germline.

Genome-Nilou Lab
Classification: Likely benign for Krabbe disease due to saposin A deficiency. Last evaluated: 2021-07-22. Review status: criteria provided, single submitter. Criteria: ACMG Guidelines, 2015. Collection method: clinical testing. Allele origin: germline. Affected: no.

Genome-Nilou Lab
Classification: Likely benign for Sphingolipid activator protein 1 deficiency. Last evaluated: 2021-07-22. Review status: criteria provided, single submitter. Criteria: ACMG Guidelines, 2015. Collection method: clinical testing. Allele origin: germline. Affected: no.

Genome-Nilou Lab
Classification: Likely benign for Combined PSAP deficiency. Last evaluated: 2021-07-22. Review status: criteria provided, single submitter. Criteria: ACMG Guidelines, 2015. Collection method: clinical testing. Allele origin: germline. Affected: no.

Natera, Inc.
Classification: Uncertain significance for Metachromatic leukodystrophy. Last evaluated: 2020-04-11. Review status: no assertion criteria provided. Collection method: clinical testing. Allele origin: germline. Not counted in ClinVar's aggregate classification.

NM_002778.4(PSAP):c.1281C>T (p.Ser427=)

Gene: PSAP (prosaposin; minus strand). Cytogenetic location: 10q22.1.
Variant type: single nucleotide variant.
Coding change: c.1281C>T on transcript NM_002778.4 (MANE Select); coding-DNA position 1281, C replaced by T.
Protein change: p.Ser427=; no amino-acid change (serine 427 retained).
Molecular consequence: synonymous variant.
Genome position (GRCh38, 1-based): chr10:71,819,534, G>A on the plus strand (C>T on the coding strand, the complement: PSAP is on the minus strand). VCF-style: chr10-71819534-G-A. GRCh37 (hg19) VCF-style: chr10-73579291-G-A.
Other names: c.1290C>T, p.Ser430= (NM_001042465.3); c.1287C>T, p.Ser429= (NM_001042466.3).
Identifiers: ClinVar variation 748866 (VCV000748866.24), dbSNP rs529776324, ClinGen allele CA5547410.